The following is an entry in ClinVar:

NM_152296.5(ATP1A3):c.3014G>A (p.Gly1005Asp)

Gene: ATP1A3 (ATPase Na+/K+ transporting subunit alpha 3; minus strand). Cytogenetic location: 19q13.2.
Variant type: single nucleotide variant.
Coding change: c.3014G>A on transcript NM_152296.5 (MANE Select); coding-DNA position 3014, G replaced by A.
Protein change: p.Gly1005Asp; replaces glycine 1005 with aspartic acid.
Molecular consequence: missense variant.
Genome position (GRCh38, 1-based): chr19:41,966,965, C>T on the plus strand (G>A on the coding strand, the complement: ATP1A3 is on the minus strand). VCF-style: chr19-41966965-C-T. GRCh37 (hg19) VCF-style: chr19-42471117-C-T.
Other names: p.Gly1005Asp; c.3047G>A, p.Gly1016Asp (NM_001256213.2); c.3053G>A, p.Gly1018Asp (NM_001256214.2); short protein forms G1005D, G1018D, G1016D.
Identifiers: ClinVar variation 643644 (VCV000643644.11), dbSNP rs1428514255, ClinGen allele CA406034877.
Genomic context (GRCh38, chr19:41,966,965, plus strand): 5'-GGGAAGAGATGGGCGATGTGGTGGGGCTGAGGTCAGTAGTAGGTTTCCTTCTCCACCCAA[C>T]CTGGAGAGACAAAGAAGGAAAGAAAGAGACAGAGTAAGAGATGGAGAGAGACAGGCAAGG-3'
Protein context (NP_689509.1, residues 995-1013): RKLILRRNPG[Gly1005Asp]WVEKETYY

ClinVar aggregate classification (germline): Uncertain significance. Review status: criteria provided, multiple submitters, no conflicts (2 of 4 stars). 2 submissions from 2 submitters: Uncertain significance (2). Last evaluated 2024-11-19.

Conditions:
Dystonia 12 (DYT12). Also called: DYT-ATP1A3; Rapid-Onset Dystonia-Parkinsonism (RDP). Identifiers: Orphanet 71517, MedGen C1868681, MONDO:0007496, OMIM 128235.

Allele frequency attached by ClinVar (database versions not stated): gnomAD exomes 0.00001; TOPMed 0.00002; gnomAD 0.00003.
gnomAD v4.1: 9 of 1,551,088 alleles (0.00058%); highest among the groups gnomAD compares: African/African-American, 0.0014%; no homozygotes.

Submissions (2):

Labcorp Genetics (formerly Invitae), Labcorp
Classification: Uncertain significance for Dystonia 12. Last evaluated: 2024-11-19. Review status: criteria provided, single submitter. Criteria: Invitae Variant Classification Sherloc (09022015). Collection method: clinical testing. Allele origin: germline.
Comment: This sequence change replaces glycine, which is neutral and non-polar, with aspartic acid, which is acidic and polar, at codon 1005 of the ATP1A3 protein (p.Gly1005Asp). This variant is present in population databases (no rsID available, gnomAD 0.004%). This variant has not been reported in the literature in individuals affected with ATP1A3-related conditions. ClinVar contains an entry for this variant (Variation ID: 643644). An algorithm developed to predict the effect of missense changes on protein structure and function (PolyPhen-2) suggests that this variant is likely to be disruptive. In summary, the available evidence is currently insufficient to determine the role of this variant in disease. Therefore, it has been classified as a Variant of Uncertain Significance.

Mayo Clinic Laboratories, Mayo Clinic
Classification: Uncertain significance. Last evaluated: 2024-05-29. Review status: criteria provided, single submitter. Criteria: ACMG Guidelines, 2015. Collection method: clinical testing. Allele origin: germline. Observed: 1 variant allele.
Comment: PP3